The following is an entry in ClinVar:

NM_001080449.3(DNA2):c.1983+1G>T

Gene: DNA2 (DNA replication helicase/nuclease 2; minus strand). Cytogenetic location: 10q21.3.
Variant type: single nucleotide variant.
Coding change: c.1983+1G>T on transcript NM_001080449.3 (MANE Select); the canonical splice donor site of the intron after coding-DNA position 1983, G replaced by T.
Molecular consequence: splice donor variant. On other transcripts: non-coding transcript variant (1).
Genome position (GRCh38, 1-based): chr10:68,431,861, C>A on the plus strand (G>T on the coding strand, the complement: DNA2 is on the minus strand). VCF-style: chr10-68431861-C-A. GRCh37 (hg19) VCF-style: chr10-70191618-C-A.
Identifiers: ClinVar variation 1356337 (VCV001356337.9), dbSNP rs1415432326, ClinGen allele CA376855213.

ClinVar aggregate classification (germline): Conflicting classifications of pathogenicity. Review status: criteria provided, conflicting classifications (1 of 4 stars). 2 submissions from 2 submitters: Likely pathogenic (1); Uncertain significance (1). Last evaluated 2022-05-14.

Conditions:
Inborn genetic diseases. Identifiers: MedGen C0950123, MeSH D030342.

gnomAD v4.1: 5 of 1,597,144 alleles (0.00031%); highest among the groups gnomAD compares: Non-Finnish European, 0.00034%; no homozygotes.

Submissions (2):

Ambry Genetics
Classification: Likely pathogenic for Inborn genetic diseases. Last evaluated: 2022-05-14. Review status: criteria provided, single submitter. Criteria: Ambry Variant Classification Scheme 2023. Collection method: clinical testing. Allele origin: germline.
Comment: The c.1983+1G>T intronic variant consists of a G to T substitution one nucleotide after exon 13 (coding exon 13) of the DNA2 gene. Alterations that disrupt the canonical splice site are expected to cause aberrant splicing, resulting in an abnormal protein or a transcript that is subject to nonsense-mediated mRNA decay._x000D_ _x000D_ Based on the available evidence, the c.1983+1G>T alteration is classified as likely pathogenic for autosomal recessive DNA2-related microcephalic primordial dwarfism; however, its clinical significance for autosomal dominant DNA2-related progressive external ophthalmoplegia is unclear. Based on data from gnomAD, the T allele has an overall frequency of <0.01% (1/247874) total alleles studied. This nucleotide position is highly conserved in available vertebrate species. In silico splice site analysis predicts that this alteration will weaken the native splice donor site. Based on the available evidence, this alteration is classified as likely pathogenic.

Labcorp Genetics (formerly Invitae), Labcorp
Classification: Uncertain significance. Last evaluated: 2021-05-26. Review status: criteria provided, single submitter. Criteria: Invitae Variant Classification Sherloc (09022015). Collection method: clinical testing. Allele origin: germline.
Comment: In summary, the available evidence is currently insufficient to determine the role of this variant in disease. Therefore, it has been classified as a Variant of Uncertain Significance. Algorithms developed to predict the effect of sequence changes on RNA splicing suggest that this variant may disrupt the consensus splice site, but this prediction has not been confirmed by published transcriptional studies. This variant has not been reported in the literature in individuals with DNA2-related conditions. This variant is not present in population databases (ExAC no frequency). This sequence change affects a donor splice site in intron 13 of the DNA2 gene. It is expected to disrupt RNA splicing. Variants that disrupt the donor or acceptor splice site typically lead to a loss of protein function (PMID: 16199547), however the current clinical and genetic evidence is not sufficient to establish whether loss-of-function variants in DNA2 cause disease.

Literature cited by the submitters: PubMed 16199547 (cited by Labcorp Genetics (formerly Invitae), Labcorp).